The following is an entry in ClinVar:

NM_032228.6(FAR1):c.289G>C (p.Asp97His)

Gene: FAR1 (fatty acyl-CoA reductase 1; plus strand). Cytogenetic location: 11p15.3.
Variant type: single nucleotide variant.
Coding change: c.289G>C on transcript NM_032228.6 (MANE Select); coding-DNA position 289, G replaced by C.
Protein change: p.Asp97His; replaces aspartic acid 97 with histidine.
Molecular consequence: missense variant.
Genome position (GRCh38, 1-based): chr11:13,700,416, G>C. VCF-style: chr11-13700416-G-C. GRCh37 (hg19) VCF-style: chr11-13721963-G-C.
Other names: short protein forms D97H.
Identifiers: ClinVar variation 2007174 (VCV002007174.4), dbSNP rs1848358716, ClinGen allele CA379856633.

ClinVar aggregate classification (germline): Uncertain significance (1 of 4 stars; one submission).

Submission:

Labcorp Genetics (formerly Invitae), Labcorp
Classification: Uncertain significance. Last evaluated: 2022-07-15. Review status: criteria provided, single submitter. Criteria: Invitae Variant Classification Sherloc (09022015). Collection method: clinical testing. Allele origin: germline.
Comment: This sequence change replaces aspartic acid, which is acidic and polar, with histidine, which is basic and polar, at codon 97 of the FAR1 protein (p.Asp97His). This variant is not present in population databases (gnomAD no frequency). This variant has not been reported in the literature in individuals affected with FAR1-related conditions. Algorithms developed to predict the effect of missense changes on protein structure and function are either unavailable or do not agree on the potential impact of this missense change (SIFT: "Deleterious"; PolyPhen-2: "Possibly Damaging"; Align-GVGD: "Class C0"). In summary, the available evidence is currently insufficient to determine the role of this variant in disease. Therefore, it has been classified as a Variant of Uncertain Significance.